The following is an entry in ClinVar:

ClinVar aggregate classification (germline): Uncertain significance (1 of 4 stars; one submission).

Submission:

Labcorp Genetics (formerly Invitae), Labcorp
Classification: Uncertain significance. Last evaluated: 2022-10-17. Review status: criteria provided, single submitter. Criteria: Invitae Variant Classification Sherloc (09022015). Collection method: clinical testing. Allele origin: germline.
Comment: This sequence change replaces threonine, which is neutral and polar, with alanine, which is neutral and non-polar, at codon 2338 of the MYO18B protein (p.Thr2338Ala). This variant is not present in population databases (gnomAD no frequency). This variant has not been reported in the literature in individuals affected with MYO18B-related conditions. Algorithms developed to predict the effect of missense changes on protein structure and function output the following: SIFT: "Not Available"; PolyPhen-2: "Benign"; Align-GVGD: "Not Available". The alanine amino acid residue is found in multiple mammalian species, which suggests that this missense change does not adversely affect protein function. In summary, the available evidence is currently insufficient to determine the role of this variant in disease. Therefore, it has been classified as a Variant of Uncertain Significance.

NM_032608.7(MYO18B):c.7012A>G (p.Thr2338Ala)

Gene: MYO18B (myosin XVIIIB; plus strand). Cytogenetic location: 22q12.1.
Variant type: single nucleotide variant.
Coding change: c.7012A>G on transcript NM_032608.7 (MANE Select); coding-DNA position 7012, A replaced by G.
Protein change: p.Thr2338Ala; replaces threonine 2338 with alanine.
Molecular consequence: missense variant.
Genome position (GRCh38, 1-based): chr22:26,026,986, A>G. VCF-style: chr22-26026986-A-G. GRCh37 (hg19) VCF-style: chr22-26422952-A-G.
Other names: c.7015A>G, p.Thr2339Ala (NM_001318245.2); short protein forms T2339A, T2338A.
Identifiers: ClinVar variation 2095428 (VCV002095428.4), dbSNP rs2518433147, ClinGen allele CA411011555.